The following is an entry in ClinVar:

NM_002029.4(FPR1):c.721C>T (p.Arg241Trp)

Gene: FPR1 (formyl peptide receptor 1; minus strand). Cytogenetic location: 19q13.41.
Variant type: single nucleotide variant.
Coding change: c.721C>T on transcript NM_002029.4 (MANE Select); coding-DNA position 721, C replaced by T.
Protein change: p.Arg241Trp; replaces arginine 241 with tryptophan.
Molecular consequence: missense variant.
Genome position (GRCh38, 1-based): chr19:51,746,274, G>A on the plus strand (C>T on the coding strand, the complement: FPR1 is on the minus strand). VCF-style: chr19-51746274-G-A. GRCh37 (hg19) VCF-style: chr19-52249527-G-A.
Other names: c.721C>T, p.Arg241Trp (NM_001193306.2); short protein forms R241W.
Identifiers: ClinVar variation 938975 (VCV000938975.9), dbSNP rs147646924, ClinGen allele CA309808037.
Genomic context (GRCh38, chr19:51,746,274, plus strand): 5'-CCACCACCTGATATGGGGACCAGCAGAGAAAAAAGGCTGCTGCGACAAAGGAGAGGACCC[G>A]TAAGGGACGACTGGACTTAATCAAGCCTTGCTTGTGGATCTTGGTGGCAATAAGCCCATA-3'
Protein context (NP_002020.1, residues 231-251): QGLIKSSRPL[Arg241Trp]VLSFVAAAFF

ClinVar aggregate classification (germline): Uncertain significance (1 of 4 stars; one submission).

Conditions:
Gingival disorder. Also called: Gingival disease. Identifiers: MedGen C0017563, MONDO:0002021.

Allele frequency attached by ClinVar (database versions not stated): gnomAD exomes below 0.00001 and 0.00002; TOPMed 0.00004; gnomAD 0.00005; ESP Exome Variant Server 0.00008.

Submission:

Labcorp Genetics (formerly Invitae), Labcorp
Classification: Uncertain significance for Gingival disorder. Last evaluated: 2025-05-27. Review status: criteria provided, single submitter. Criteria: Invitae Variant Classification Sherloc (09022015). Collection method: clinical testing. Allele origin: germline.
Comment: This sequence change replaces arginine, which is basic and polar, with tryptophan, which is neutral and slightly polar, at codon 241 of the FPR1 protein (p.Arg241Trp). This variant is present in population databases (rs147646924, gnomAD 0.0009%). This variant has not been reported in the literature in individuals affected with FPR1-related conditions. ClinVar contains an entry for this variant (Variation ID: 938975). An algorithm developed to predict the effect of missense changes on protein structure and function (PolyPhen-2) suggests that this variant is likely to be disruptive. In summary, the available evidence is currently insufficient to determine the role of this variant in disease. Therefore, it has been classified as a Variant of Uncertain Significance.